The following is an entry in ClinVar:

ClinVar aggregate classification (germline): Uncertain significance. Review status: criteria provided, multiple submitters, no conflicts (2 of 4 stars). 4 submissions from 4 submitters: Uncertain significance (4). Last evaluated 2024-10-29.

Conditions:
Inborn genetic diseases. Identifiers: MedGen C0950123, MeSH D030342.
Deficiency of malonyl-CoA decarboxylase. Also called: Malonic aciduria; MCD deficiency. Identifiers: Orphanet 943, MedGen C0342793, MONDO:0009556, OMIM 248360.

Allele frequency attached by ClinVar (database versions not stated): ESP Exome Variant Server 0.00016; ExAC 0.00029; gnomAD exomes 0.00029; TOPMed 0.00040; gnomAD 0.00041.
gnomAD v4.1: 556 of 1,613,708 alleles (0.034%); highest among the groups gnomAD compares: Middle Eastern, 0.066%; 1 homozygote.

Submissions (4):

Blueprint Genetics
Classification: Uncertain significance. Last evaluated: 2024-10-29. Review status: criteria provided, single submitter. Criteria: ACMG Guidelines, 2015. Collection method: clinical testing. Allele origin: germline.

GeneDx
Classification: Uncertain significance. Last evaluated: 2024-04-26. Review status: criteria provided, single submitter. Criteria: GeneDx Variant Classification Process June 2021. Collection method: clinical testing. Allele origin: germline. Affected: yes.
Comment: In silico analysis supports that this missense variant has a deleterious effect on protein structure/function; Has not been previously published as pathogenic or benign to our knowledge

Labcorp Genetics (formerly Invitae), Labcorp
Classification: Uncertain significance for Deficiency of malonyl-CoA decarboxylase. Last evaluated: 2022-11-01. Review status: criteria provided, single submitter. Criteria: Invitae Variant Classification Sherloc (09022015). Collection method: clinical testing. Allele origin: germline.
Comment: This sequence change replaces arginine, which is basic and polar, with cysteine, which is neutral and slightly polar, at codon 432 of the MLYCD protein (p.Arg432Cys). This variant is present in population databases (rs35124955, gnomAD 0.05%). This variant has not been reported in the literature in individuals affected with MLYCD-related conditions. ClinVar contains an entry for this variant (Variation ID: 650475). Advanced modeling of protein sequence and biophysical properties (such as structural, functional, and spatial information, amino acid conservation, physicochemical variation, residue mobility, and thermodynamic stability) performed at Invitae indicates that this missense variant is expected to disrupt MLYCD protein function. In summary, the available evidence is currently insufficient to determine the role of this variant in disease. Therefore, it has been classified as a Variant of Uncertain Significance.

Ambry Genetics
Classification: Uncertain significance for Inborn genetic diseases. Last evaluated: 2022-07-17. Review status: criteria provided, single submitter. Criteria: Ambry Variant Classification Scheme 2023. Collection method: clinical testing. Allele origin: germline.

NM_012213.3(MLYCD):c.1294C>T (p.Arg432Cys)

Gene: MLYCD (malonyl-CoA decarboxylase; plus strand). Cytogenetic location: 16q23.3.
Variant type: single nucleotide variant.
Coding change: c.1294C>T on transcript NM_012213.3 (MANE Select); coding-DNA position 1294, C replaced by T.
Protein change: p.Arg432Cys; replaces arginine 432 with cysteine.
Molecular consequence: missense variant.
Genome position (GRCh38, 1-based): chr16:83,915,301, C>T. VCF-style: chr16-83915301-C-T. GRCh37 (hg19) VCF-style: chr16-83948906-C-T.
Other names: c.1294C>T (NM_012213.2); short protein forms R432C.
Identifiers: ClinVar variation 650475 (VCV000650475.8), dbSNP rs35124955, ClinGen allele CA8197587.
Genomic context (GRCh38, chr16:83,915,301, plus strand): 5'-CGCGGCTACGCGCTGAACCCCGTGGCCAACTTCCACCTGCAGAACGGGGCGGTGCTGTGG[C>T]GCATCAACTGGATGGCGGATGTGAGCCTCAGAGGCATCACCGGCTCCTGCGGCCTGATGG-3'
Protein context (NP_036345.2, residues 422-442): FHLQNGAVLW[Arg432Cys]INWMADVSLR